The following is an entry in ClinVar:

NM_005751.5(AKAP9):c.6439G>C (p.Glu2147Gln)

Gene: AKAP9 (A-kinase anchoring protein 9; plus strand). Cytogenetic location: 7q21.2.
Variant type: single nucleotide variant.
Coding change: c.6439G>C on transcript NM_005751.5 (MANE Select); coding-DNA position 6439, G replaced by C.
Protein change: p.Glu2147Gln; replaces glutamic acid 2147 with glutamine.
Molecular consequence: missense variant.
Genome position (GRCh38, 1-based): chr7:92,070,138, G>C. VCF-style: chr7-92070138-G-C. GRCh37 (hg19) VCF-style: chr7-91699452-G-C.
Other names: c.1084G>C, p.Glu362Gln (NM_001379277.1); c.6439G>C, p.Glu2147Gln (NM_147185.3); short protein forms E2147Q, E362Q.
Identifiers: ClinVar variation 637986 (VCV000637986.10), dbSNP rs373725997, ClinGen allele CA4337081.

ClinVar aggregate classification (germline): Uncertain significance. Review status: criteria provided, multiple submitters, no conflicts (2 of 4 stars). 2 submissions from 2 submitters: Uncertain significance (2). Last evaluated 2022-03-23.

Conditions:
Long QT syndrome (LQTS). Identifiers: MedGen C0023976, MeSH D008133, MONDO:0002442. Disease mechanism: loss of function. Inheritance: Various modes of inheritance.
Long QT syndrome 11 (LQT11). Identifiers: Orphanet 101016, Orphanet 768, MedGen C2678483, MONDO:0012738, OMIM 611820.

Allele frequency attached by ClinVar (database versions not stated): gnomAD 0.00001; gnomAD exomes 0.00001; TOPMed 0.00001; ExAC 0.00002; ESP Exome Variant Server 0.00008.
gnomAD v4.1: 6 of 1,613,992 alleles (0.00037%); highest among the groups gnomAD compares: Non-Finnish European, 0.00051%; no homozygotes.

Submissions (2):

Labcorp Genetics (formerly Invitae), Labcorp
Classification: Uncertain significance for Long QT syndrome. Last evaluated: 2022-03-23. Review status: criteria provided, single submitter. Criteria: Invitae Variant Classification Sherloc (09022015). Collection method: clinical testing. Allele origin: germline.
Comment: This variant is present in population databases (rs373725997, gnomAD 0.003%). This variant has not been reported in the literature in individuals affected with AKAP9-related conditions. ClinVar contains an entry for this variant (Variation ID: 637986). Algorithms developed to predict the effect of missense changes on protein structure and function are either unavailable or do not agree on the potential impact of this missense change (SIFT: "Deleterious"; PolyPhen-2: "Probably Damaging"; Align-GVGD: "Class C0"). In summary, the available evidence is currently insufficient to determine the role of this variant in disease. Therefore, it has been classified as a Variant of Uncertain Significance. This sequence change replaces glutamic acid, which is acidic and polar, with glutamine, which is neutral and polar, at codon 2147 of the AKAP9 protein (p.Glu2147Gln).

MVZ Martinsried, Medicover Genetics
Classification: Uncertain significance for Long QT syndrome 11. Last evaluated: 2018-11-07. Review status: criteria provided, single submitter. Criteria: ACMG Guidelines, 2015. Collection method: clinical testing. Allele origin: unknown. Affected: yes.